The following is an entry in ClinVar:

NM_005050.4(ABCD4):c.858C>T (p.Tyr286=)

Gene: ABCD4 (ATP binding cassette subfamily D member 4; minus strand). Cytogenetic location: 14q24.3.
Variant type: single nucleotide variant.
Coding change: c.858C>T on transcript NM_005050.4 (MANE Select); coding-DNA position 858, C replaced by T.
Protein change: p.Tyr286=; no amino-acid change (tyrosine 286 retained).
Molecular consequence: synonymous variant. On other transcripts: non-coding transcript variant (10).
Genome position (GRCh38, 1-based): chr14:74,292,826, G>A on the plus strand (C>T on the coding strand, the complement: ABCD4 is on the minus strand). VCF-style: chr14-74292826-G-A. GRCh37 (hg19) VCF-style: chr14-74759529-G-A.
Other names: p.Tyr286=; c.732C>T, p.Tyr244= (NM_001353591.2, NM_001353592.2); c.597C>T, p.Tyr199= (NM_001353593.2); c.546C>T, p.Tyr182= (NM_001353594.2); c.444C>T, p.Tyr148= (NM_001353595.2, NM_001353596.2); c.393C>T, p.Tyr131= (NM_001353597.2); c.381C>T, p.Tyr127= (NM_001353598.2, NM_001353599.2, NM_001353600.2 and 2 more transcripts); c.69C>T, p.Tyr23= (NM_001353602.2, NM_001353603.2, NM_001353604.2 and 6 more transcripts); and 1 more.
Identifiers: ClinVar variation 380502 (VCV000380502.12), dbSNP rs1052000, ClinGen allele CA7267034.

ClinVar aggregate classification (germline): Benign. Review status: criteria provided, multiple submitters, no conflicts (2 of 4 stars). 4 submissions from 4 submitters: Benign (4). Last evaluated 2026-02-04.

Conditions:
Methylmalonic acidemia with homocystinuria, type cblJ (MAHCJ). Also called: METHYLMALONIC ACIDURIA AND HOMOCYSTINURIA, cblJ TYPE. Identifiers: Orphanet 369955, MedGen C3553915, MONDO:0013925, OMIM 614857.

Allele frequency attached by ClinVar (database versions not stated): gnomAD 0.06529 and 0.06963; 1000 Genomes Project 0.07268; TOPMed 0.07332; ESP Exome Variant Server 0.07481; 1000 Genomes Project 30x 0.07995; gnomAD exomes 0.00638 and 0.01674; ExAC 0.02052.
gnomAD v4.1: 19,666 of 1,614,070 alleles (1.2%); highest among the groups gnomAD compares: African/African-American, 23%; 2,014 homozygotes.

Submissions (4):

Labcorp Genetics (formerly Invitae), Labcorp
Classification: Benign for Methylmalonic acidemia with homocystinuria, type cblJ. Last evaluated: 2026-02-04. Review status: criteria provided, single submitter. Criteria: Invitae Variant Classification Sherloc (09022015). Collection method: clinical testing. Allele origin: germline.

Mayo Clinic Laboratories, Mayo Clinic
Classification: Benign. Last evaluated: 2022-07-22. Review status: criteria provided, single submitter. Criteria: ACMG Guidelines, 2015. Collection method: clinical testing. Allele origin: germline. Observed: 5 variant alleles.

GeneDx
Classification: Benign. Last evaluated: 2016-02-23. Review status: criteria provided, single submitter. Criteria: GeneDx Variant Classification (06012015). Collection method: clinical testing. Allele origin: germline. Affected: yes.
Comment: This variant is considered likely benign or benign based on one or more of the following criteria: it is a conservative change, it occurs at a poorly conserved position in the protein, it is predicted to be benign by multiple in silico algorithms, and/or has population frequency not consistent with disease.

Breakthrough Genomics
Classification: Benign. Review status: criteria provided, single submitter. Criteria: ACMG Guidelines, 2015. Collection method: not provided. Allele origin: germline. Inheritance: Autosomal recessive inheritance. Affected: yes.